The following is an entry in ClinVar:

ClinVar aggregate classification (germline): Uncertain significance (1 of 4 stars; one submission).

Conditions:
Neuroblastoma, susceptibility to, 3. Also called: ALK-Related Neuroblastic Tumor Susceptibility. Identifiers: Orphanet 635, MedGen C2751681, MONDO:0013083, OMIM 613014.

Submission:

Labcorp Genetics (formerly Invitae), Labcorp
Classification: Uncertain significance for Neuroblastoma, susceptibility to, 3. Last evaluated: 2020-07-13. Review status: criteria provided, single submitter. Criteria: Invitae Variant Classification Sherloc (09022015). Collection method: clinical testing. Allele origin: germline.
Comment: In summary, the available evidence is currently insufficient to determine the role of this variant in disease. Therefore, it has been classified as a Variant of Uncertain Significance. Algorithms developed to predict the effect of missense changes on protein structure and function output the following: SIFT: "Deleterious"; PolyPhen-2: "Benign"; Align-GVGD: "Class C0". The isoleucine amino acid residue is found in multiple mammalian species, suggesting that this missense change does not adversely affect protein function. These predictions have not been confirmed by published functional studies and their clinical significance is uncertain. This variant has not been reported in the literature in individuals with ALK-related conditions. This variant is not present in population databases (ExAC no frequency). This sequence change replaces methionine with isoleucine at codon 315 of the ALK protein (p.Met315Ile). The methionine residue is moderately conserved and there is a small physicochemical difference between methionine and isoleucine.

NM_004304.5(ALK):c.945G>T (p.Met315Ile)

Gene: ALK (ALK receptor tyrosine kinase; minus strand). Cytogenetic location: 2p23.2.
Variant type: single nucleotide variant.
Coding change: c.945G>T on transcript NM_004304.5 (MANE Select); coding-DNA position 945, G replaced by T.
Protein change: p.Met315Ile; replaces methionine 315 with isoleucine.
Molecular consequence: missense variant.
Genome position (GRCh38, 1-based): chr2:29,694,857, C>A on the plus strand (G>T on the coding strand, the complement: ALK is on the minus strand). VCF-style: chr2-29694857-C-A. GRCh37 (hg19) VCF-style: chr2-29917723-C-A.
Other names: short protein forms M315I.
Identifiers: ClinVar variation 1056904 (VCV001056904.9), dbSNP rs2148289584, ClinGen allele CA346586823.
Genomic context (GRCh38, chr2:29,694,857, plus strand): 5'-ATTCCAGCCTGGCCCTGACCCACCCAGGACATCACCAGCAGCCTCTCCCTTACCTCTGGG[C>A]ATCTCCTTAGAACGCTCTGCCCCAGGCCCATCCAGCAAGTCCATCTGGGAGGCCTCCTCG-3'
Protein context (NP_004295.2, residues 305-325): DGPGAERSKE[Met315Ile]PRGSFLLLNT